The following is an entry in ClinVar:

NM_002087.4(GRN):c.1274G>A (p.Gly425Glu)

Gene: GRN (granulin precursor; plus strand). Cytogenetic location: 17q21.31.
Variant type: single nucleotide variant.
Coding change: c.1274G>A on transcript NM_002087.4 (MANE Select); coding-DNA position 1274, G replaced by A.
Protein change: p.Gly425Glu; replaces glycine 425 with glutamic acid.
Molecular consequence: missense variant.
Genome position (GRCh38, 1-based): chr17:44,352,109, G>A. VCF-style: chr17-44352109-G-A. GRCh37 (hg19) VCF-style: chr17-42429477-G-A.
Other names: short protein forms G425E.
Identifiers: ClinVar variation 3365609 (VCV003365609.1).

ClinVar aggregate classification (germline): Uncertain significance (1 of 4 stars; one submission).

Submission:

GeneDx
Classification: Uncertain significance. Last evaluated: 2024-01-04. Review status: criteria provided, single submitter. Criteria: GeneDx Variant Classification Process June 2021. Collection method: clinical testing. Allele origin: germline. Affected: yes.
Comment: Not observed at significant frequency in large population cohorts (gnomAD); In silico analysis supports that this missense variant has a deleterious effect on protein structure/function; Has not been previously published as pathogenic or benign to our knowledge